The following is an entry in ClinVar:

ClinVar aggregate classification (germline): Conflicting classifications of pathogenicity. Review status: criteria provided, conflicting classifications (1 of 4 stars). 5 submissions from 5 submitters: Uncertain significance (2); Benign (1); Likely benign (2). Last evaluated 2024-05-02.

Conditions:
Familial thoracic aortic aneurysm and aortic dissection (TAAD). Also called: Thoracic aortic aneurysms and dissections. Identifiers: Orphanet 91387, MedGen C4707243, MONDO:0019625.
Adams-Oliver syndrome 5 (AOS5). Identifiers: Orphanet 974, MedGen C4014970, MONDO:0014459, OMIM 616028.

Allele frequency attached by ClinVar (database versions not stated): gnomAD exomes 0.00003; gnomAD 0.00006 and 0.00007; TOPMed 0.00012.
gnomAD v4.1: 28 of 1,549,868 alleles (0.0018%); highest among the groups gnomAD compares: African/African-American, 0.02%; no homozygotes.

Submissions (5):

Ambry Genetics
Classification: Uncertain significance for Familial thoracic aortic aneurysm and aortic dissection. Last evaluated: 2024-05-02. Review status: criteria provided, single submitter. Criteria: Ambry Variant Classification Scheme 2023. Collection method: clinical testing. Allele origin: germline.
Comment: The p.A1643T variant (also known as c.4927G>A), located in coding exon 26 of the NOTCH1 gene, results from a G to A substitution at nucleotide position 4927. The alanine at codon 1643 is replaced by threonine, an amino acid with similar properties. This amino acid position is poorly conserved on limited sequence alignment, and threonine is the reference amino acid in other vertebrate species. In addition, this alteration is predicted to be tolerated by in silico analysis. Since supporting evidence is limited at this time, the clinical significance of this alteration remains unclear.

Labcorp Genetics (formerly Invitae), Labcorp
Classification: Benign for Adams-Oliver syndrome 5. Last evaluated: 2024-04-25. Review status: criteria provided, single submitter. Criteria: Invitae Variant Classification Sherloc (09022015). Collection method: clinical testing. Allele origin: germline.

Blueprint Genetics
Classification: Likely benign. Last evaluated: 2023-10-02. Review status: criteria provided, single submitter. Criteria: ACMG Guidelines, 2015. Collection method: clinical testing. Allele origin: germline.

CeGaT Center for Human Genetics Tuebingen
Classification: Uncertain significance. Last evaluated: 2023-02-01. Review status: criteria provided, single submitter. Criteria: CeGaT Center For Human Genetics Tuebingen Variant Classification Criteria Version 2. Collection method: clinical testing. Allele origin: germline. Affected: yes. Observed: 1 variant allele.
Comment: NOTCH1: PP2

GeneDx
Classification: Likely benign. Last evaluated: 2021-01-23. Review status: criteria provided, single submitter. Criteria: GeneDx Variant Classification Process June 2021. Collection method: clinical testing. Allele origin: germline. Affected: yes.

NM_017617.5(NOTCH1):c.4927G>A (p.Ala1643Thr)

Gene: NOTCH1 (notch receptor 1; minus strand). Cytogenetic location: 9q34.3.
Variant type: single nucleotide variant.
Coding change: c.4927G>A on transcript NM_017617.5 (MANE Select); coding-DNA position 4927, G replaced by A.
Protein change: p.Ala1643Thr; replaces alanine 1643 with threonine.
Molecular consequence: missense variant.
Genome position (GRCh38, 1-based): chr9:136,504,764, C>T on the plus strand (G>A on the coding strand, the complement: NOTCH1 is on the minus strand). VCF-style: chr9-136504764-C-T. GRCh37 (hg19) VCF-style: chr9-139399216-C-T.
Other names: c.4927G>A, p.Ala1643Thr (LRG_1122t1); short protein forms A1643T.
Identifiers: ClinVar variation 520044 (VCV000520044.37), dbSNP rs566680728, ClinGen allele CA201643823.